The following is an entry in ClinVar:

NM_000836.4(GRIN2D):c.3204C>G (p.Ser1068Arg)

Gene: GRIN2D (glutamate ionotropic receptor NMDA type subunit 2D; plus strand). Cytogenetic location: 19q13.33.
Variant type: single nucleotide variant.
Coding change: c.3204C>G on transcript NM_000836.4 (MANE Select); coding-DNA position 3204, C replaced by G.
Protein change: p.Ser1068Arg; replaces serine 1068 with arginine.
Molecular consequence: missense variant.
Genome position (GRCh38, 1-based): chr19:48,443,130, C>G. VCF-style: chr19-48443130-C-G. GRCh37 (hg19) VCF-style: chr19-48946387-C-G.
Other names: short protein forms S1068R.
Identifiers: ClinVar variation 3673788 (VCV003673788.2).

ClinVar aggregate classification (germline): Uncertain significance (1 of 4 stars; one submission).

Submission:

Labcorp Genetics (formerly Invitae), Labcorp
Classification: Uncertain significance. Last evaluated: 2024-10-22. Review status: criteria provided, single submitter. Criteria: Invitae Variant Classification Sherloc (09022015). Collection method: clinical testing. Allele origin: germline.
Comment: This sequence change replaces serine, which is neutral and polar, with arginine, which is basic and polar, at codon 1068 of the GRIN2D protein (p.Ser1068Arg). The frequency data for this variant in the population databases is considered unreliable, as metrics indicate insufficient coverage at this position in the gnomAD database. This variant has not been reported in the literature in individuals affected with GRIN2D-related conditions. Invitae Evidence Modeling of protein sequence and biophysical properties (such as structural, functional, and spatial information, amino acid conservation, physicochemical variation, residue mobility, and thermodynamic stability) indicates that this missense variant is not expected to disrupt GRIN2D protein function with a negative predictive value of 95%. In summary, the available evidence is currently insufficient to determine the role of this variant in disease. Therefore, it has been classified as a Variant of Uncertain Significance.